The following is an entry in ClinVar:

ClinVar aggregate classification (germline): Uncertain significance (1 of 4 stars; one submission).

Submission:

Labcorp Genetics (formerly Invitae), Labcorp
Classification: Uncertain significance. Last evaluated: 2022-02-11. Review status: criteria provided, single submitter. Criteria: Invitae Variant Classification Sherloc (09022015). Collection method: clinical testing. Allele origin: germline.
Comment: In summary, the available evidence is currently insufficient to determine the role of this variant in disease. Therefore, it has been classified as a Variant of Uncertain Significance. Experimental studies and prediction algorithms are not available or were not evaluated, and the functional significance of this variant is currently unknown. This variant has not been reported in the literature in individuals affected with POLE-related conditions. Information on the frequency of this variant in the gnomAD database is not available, as this variant may be reported differently in the database. This sequence change replaces proline, which is neutral and non-polar, with serine, which is neutral and polar, at codon 1582 of the POLE protein (p.Pro1582Ser).

NM_006231.4(POLE):c.4743_4744delinsTT (p.Pro1582Ser)

Gene: POLE (DNA polymerase epsilon, catalytic subunit; minus strand). Cytogenetic location: 12q24.33.
Variant type: Indel.
Coding change: c.4743_4744delinsTT on transcript NM_006231.4 (MANE Select); coding-DNA positions 4743 to 4744, GC replaced by TT.
Protein change: p.Pro1582Ser; replaces proline 1582 with serine.
Molecular consequence: missense variant.
Genome position (GRCh38, 1-based): chr12:132,642,714-132,642,715, GC replaced by AA on the plus strand (GC replaced by TT on the coding strand, the reverse complement: POLE is on the minus strand). VCF-style: chr12-132642714-GC-AA. GRCh37 (hg19) VCF-style: chr12-133219300-GC-AA.
Other names: short protein forms P1582S.
Identifiers: ClinVar variation 2096303 (VCV002096303.4), dbSNP rs2541886394, ClinGen allele CA2580085980.
Genomic context (GRCh38, chr12:132,642,714, plus strand): 5'-CAGGAATTTCACTGGCCAGCCTCTTCAGCTCCCAGCTGGACTGAACAGCGATGAGTGTGG[GC>AA]CCCCGGCGCTCCTCCTGGGTCAAGGCAAAATGGAAGAAAAGACCTGGGTGGACCCAGCCT-3'
Protein context (NP_006222.2, residues 1572-1592): LLAYKEERRG[Pro1582Ser]TLIAVQSSWE